The following is an entry in ClinVar:

NM_003392.7(WNT5A):c.352G>A (p.Val118Met)

Gene: WNT5A (Wnt family member 5A; minus strand). Cytogenetic location: 3p14.3.
Variant type: single nucleotide variant.
Coding change: c.352G>A on transcript NM_003392.7 (MANE Select); coding-DNA position 352, G replaced by A.
Protein change: p.Val118Met; replaces valine 118 with methionine.
Molecular consequence: missense variant.
Genome position (GRCh38, 1-based): chr3:55,479,353, C>T on the plus strand (G>A on the coding strand, the complement: WNT5A is on the minus strand). VCF-style: chr3-55479353-C-T. GRCh37 (hg19) VCF-style: chr3-55513381-C-T.
Other names: c.307G>A, p.Val103Met (NM_001256105.1, NM_001377271.1, NM_001377272.1); short protein forms V103M, V118M.
Identifiers: ClinVar variation 4976519 (VCV004976519.1).

ClinVar aggregate classification (germline): Uncertain significance (1 of 4 stars; one submission).

Submission:

GeneDx
Classification: Uncertain significance. Last evaluated: 2026-02-11. Review status: criteria provided, single submitter. Criteria: GeneDx Variant Classification Process June 2021. Collection method: clinical testing. Allele origin: germline.
Comment: Not observed at significant frequency in large population cohorts (gnomAD); In silico analysis suggests that this missense variant does not alter protein structure/function; Has not been previously published as pathogenic or benign to our knowledge.